The following is an entry in ClinVar:

ClinVar aggregate classification (germline): Uncertain significance (1 of 4 stars; one submission).

Allele frequency attached by ClinVar (database versions not stated): gnomAD 0.00001; TOPMed 0.00002.
gnomAD v4.1: 13 of 1,611,486 alleles (0.00081%); highest among the groups gnomAD compares: African/African-American, 0.0094%; no homozygotes.

Submission:

Labcorp Genetics (formerly Invitae), Labcorp
Classification: Uncertain significance. Last evaluated: 2022-04-13. Review status: criteria provided, single submitter. Criteria: Invitae Variant Classification Sherloc (09022015). Collection method: clinical testing. Allele origin: germline.
Comment: This sequence change replaces arginine, which is basic and polar, with cysteine, which is neutral and slightly polar, at codon 1882 of the LRP2 protein (p.Arg1882Cys). This variant is present in population databases (no rsID available, gnomAD 0.007%). This variant has not been reported in the literature in individuals affected with LRP2-related conditions. Algorithms developed to predict the effect of missense changes on protein structure and function (SIFT, PolyPhen-2, Align-GVGD) all suggest that this variant is likely to be disruptive. In summary, the available evidence is currently insufficient to determine the role of this variant in disease. Therefore, it has been classified as a Variant of Uncertain Significance.

NM_004525.3(LRP2):c.5644C>T (p.Arg1882Cys)

Gene: LRP2 (LDL receptor related protein 2; minus strand). Cytogenetic location: 2q31.1.
Variant type: single nucleotide variant.
Coding change: c.5644C>T on transcript NM_004525.3 (MANE Select); coding-DNA position 5644, C replaced by T.
Protein change: p.Arg1882Cys; replaces arginine 1882 with cysteine.
Molecular consequence: missense variant.
Genome position (GRCh38, 1-based): chr2:169,220,458, G>A on the plus strand (C>T on the coding strand, the complement: LRP2 is on the minus strand). VCF-style: chr2-169220458-G-A. GRCh37 (hg19) VCF-style: chr2-170076968-G-A.
Other names: short protein forms R1882C.
Identifiers: ClinVar variation 1915141 (VCV001915141.2), dbSNP rs1181876229, ClinGen allele CA349137767.
Genomic context (GRCh38, chr2:169,220,458, plus strand): 5'-TGACATTAACAAGAACAATGCTGCATGGAAGACACGTGCCATTTATGAATACTCACCCAC[G>A]AGCAGGATCAACAGTTATGCCAATTGGAAAGCCAACTCCAAGAGCTGTCCCATCATTGGC-3'
Protein context (NP_004516.2, residues 1872-1892): FPIGITVDPA[Arg1882Cys]GKLYWSDQGT